The following is an entry in ClinVar:

NM_001369369.1(FOXN1):c.133G>A (p.Gly45Ser)

Gene: FOXN1 (forkhead box N1; plus strand). Cytogenetic location: 17q11.2.
Variant type: single nucleotide variant.
Coding change: c.133G>A on transcript NM_001369369.1 (MANE Select); coding-DNA position 133, G replaced by A.
Protein change: p.Gly45Ser; replaces glycine 45 with serine.
Molecular consequence: missense variant.
Genome position (GRCh38, 1-based): chr17:28,524,512, G>A. VCF-style: chr17-28524512-G-A. GRCh37 (hg19) VCF-style: chr17-26851530-G-A.
Other names: c.133G>A, p.Gly45Ser (NM_003593.3); short protein forms G45S.
Identifiers: ClinVar variation 850733 (VCV000850733.9), dbSNP rs1213715252, ClinGen allele CA398320464.

ClinVar aggregate classification (germline): Uncertain significance (1 of 4 stars; one submission).

Conditions:
T-cell immunodeficiency, congenital alopecia, and nail dystrophy. Also called: Congenital alopecia and nail dystrophy associated with severe functional T-cell immunodeficiency; Pignata Guarino syndrome. Identifiers: Orphanet 169095, MedGen C1866426, MONDO:0011132, OMIM 601705.

Allele frequency attached by ClinVar (database versions not stated): gnomAD exomes below 0.00001.
gnomAD v4.1: 3 of 1,613,680 alleles (0.00019%); highest among the groups gnomAD compares: East Asian, 0.0022%; no homozygotes.

Submission:

Labcorp Genetics (formerly Invitae), Labcorp
Classification: Uncertain significance for T-cell immunodeficiency, congenital alopecia, and nail dystrophy. Last evaluated: 2019-12-31. Review status: criteria provided, single submitter. Criteria: Invitae Variant Classification Sherloc (09022015). Collection method: clinical testing. Allele origin: germline.
Comment: In summary, the available evidence is currently insufficient to determine the role of this variant in disease. Therefore, it has been classified as a Variant of Uncertain Significance. Algorithms developed to predict the effect of missense changes on protein structure and function output the following: SIFT: "Tolerated"; PolyPhen-2: "Benign"; Align-GVGD: "Class C0". The serine amino acid residue is found in multiple mammalian species, suggesting that this missense change does not adversely affect protein function. These predictions have not been confirmed by published functional studies and their clinical significance is uncertain. This variant has not been reported in the literature in individuals with FOXN1-related conditions. This variant is not present in population databases (ExAC no frequency). This sequence change replaces glycine with serine at codon 45 of the FOXN1 protein (p.Gly45Ser). The glycine residue is weakly conserved and there is a small physicochemical difference between glycine and serine.